The following is an entry in ClinVar:

GRCh37/hg19 13q33.2-34(chr13:106256198-115107733)x1

Genes: ABHD13 (abhydrolase domain containing 13; plus strand), ADPRHL1 (ADP-ribosylhydrolase like 1; minus strand), ANKRD10 (ankyrin repeat domain 10; minus strand), ANKRD10-IT1 (ANKRD10 intronic transcript 1), ARGLU1 (arginine and glutamate rich 1; minus strand) and 39 more. Cytogenetic location: 13q33.2-34.
Variant type: copy number loss.
Change: copy number 1 (one copy instead of two) of chr13:106,256,198-115,107,733 (8.85 Mb, GRCh37 coordinates, 1-based), cytogenetic band 13q33.2-34.
Identifiers: ClinVar variation 979994 (VCV000979994.2).

ClinVar aggregate classification (germline): Pathogenic (0 of 4 stars; one submission).

Submission:

Quest Diagnostics Nichols Institute San Juan Capistrano
Classification: Pathogenic. Last evaluated: 2021-04-01. Review status: no assertion criteria provided. Collection method: clinical testing. Allele origin: germline.
Comment: The 13qter imbalance is expected to cause phenotypic and/or developmental abnormalities. Deletions of chromosome bands 13q33-34 are rare. Patients with such deletions have mental retardation, microcephaly, and distinct facial features. Molecular cytogenetic definition of a common deleted region in patients reported with deletions within this region suggest ARHGEF7, which is deleted, as a candidate gene for mental retardation and microcephaly (Walczak-Sztulpa, et al., Am J Med Genet A. 2008 Feb 1;146(3):337-42). Likewise, EFNB2 is a candidate gene for genital malformations in males. In addition, loss of function variants of CHAMP1 have been identified in association with an intellectual disability phenotype that typically includes neonatal hypotonia, motor delay, severe speech impairment, facial anomalies.